The following is an entry in ClinVar:

ClinVar aggregate classification (germline): Pathogenic. Review status: criteria provided, single submitter (1 of 4 stars). 2 submissions from 2 submitters: Pathogenic (1). 1 of the submissions does not count toward it. Last evaluated 2026-04-01.

Conditions:
Autosomal dominant Alport syndrome (ATS3A). Also called: ALPORT SYNDROME 3A, AUTOSOMAL DOMINANT; Alport syndrome dominant type; Renal failure and sensorineural hearing loss. Identifiers: Orphanet 63, Orphanet 88918, MedGen C5882663, MONDO:0007086, OMIM 104200.

Submissions (2):

Institute of Human Genetics, University of Leipzig Medical Center
Classification: Pathogenic for Autosomal dominant Alport syndrome. Last evaluated: 2026-04-01. Review status: criteria provided, single submitter. Criteria: ACMG Guidelines, 2015. Collection method: clinical testing. Allele origin: unknown. Inheritance: Autosomal dominant inheritance. Affected: yes.
Comment: Criteria applied: PVS1,PM2,PS4_SUP

Bioscientia Institut fuer Medizinische Diagnostik GmbH, Sonic Healthcare
Classification: Pathogenic for Autosomal dominant Alport syndrome. Last evaluated: 2019-03-14. Review status: no assertion criteria provided. Collection method: clinical testing. Allele origin: germline. Affected: yes. Not counted in ClinVar's aggregate classification.

NM_000091.5(COL4A3):c.3013_3038del (p.Pro1005fs)

Genes: COL4A3 (collagen type IV alpha 3 chain; plus strand), MFF-DT (MFF divergent transcript; minus strand). Cytogenetic location: 2q36.3.
Variant type: Deletion.
Coding change: c.3013_3038del on transcript NM_000091.5 (MANE Select); coding-DNA positions 3013 to 3038, 26 bases deleted (CCTGGAGAACCAGGACTGCGTGGTAT).
Protein change: p.Pro1005fs; shifts the reading frame from proline 1005.
Molecular consequence: frameshift variant.
Genome position (GRCh38, 1-based): chr2:227,290,031-227,290,056, CCTGGAGAACCAGGACTGCGTGGTAT deleted; deleting any 26 consecutive bases within chr2:227,290,029-227,290,056 gives the same sequence; the c. name uses the placement nearest the transcript's 3' end. VCF-style (leftmost placement, unchanged base first): chr2-227290028-AATCCTGGAGAACCAGGACTGCGTGGT-A. GRCh37 (hg19) VCF-style: chr2-228154744-AATCCTGGAGAACCAGGACTGCGTGGT-A.
Other names: short protein forms P1005fs.
Identifiers: ClinVar variation 829933 (VCV000829933.3), dbSNP rs1574803208, ClinGen allele CA915941781.